The following is an entry in ClinVar:

ClinVar aggregate classification (germline): Uncertain significance (1 of 4 stars; one submission).

Submission:

Labcorp Genetics (formerly Invitae), Labcorp
Classification: Uncertain significance. Last evaluated: 2024-05-15. Review status: criteria provided, single submitter. Criteria: Invitae Variant Classification Sherloc (09022015). Collection method: clinical testing. Allele origin: germline.
Comment: This sequence change replaces histidine, which is basic and polar, with leucine, which is neutral and non-polar, at codon 144 of the KAT6A protein (p.His144Leu). This variant is present in population databases (rs752763183, gnomAD 0.0009%). This variant has not been reported in the literature in individuals affected with KAT6A-related conditions. Advanced modeling of protein sequence and biophysical properties (such as structural, functional, and spatial information, amino acid conservation, physicochemical variation, residue mobility, and thermodynamic stability) performed at Invitae indicates that this missense variant is not expected to disrupt KAT6A protein function with a negative predictive value of 80%. In summary, the available evidence is currently insufficient to determine the role of this variant in disease. Therefore, it has been classified as a Variant of Uncertain Significance.

NM_006766.5(KAT6A):c.431A>T (p.His144Leu)

Gene: KAT6A (lysine acetyltransferase 6A; minus strand). Cytogenetic location: 8p11.21.
Variant type: single nucleotide variant.
Coding change: c.431A>T on transcript NM_006766.5 (MANE Select); coding-DNA position 431, A replaced by T.
Protein change: p.His144Leu; replaces histidine 144 with leucine.
Molecular consequence: missense variant.
Genome position (GRCh38, 1-based): chr8:42,048,547, T>A on the plus strand (A>T on the coding strand, the complement: KAT6A is on the minus strand). VCF-style: chr8-42048547-T-A. GRCh37 (hg19) VCF-style: chr8-41906065-T-A.
Other names: c.431A>T, p.His144Leu (NM_001305878.2); short protein forms H144L.
Identifiers: ClinVar variation 3653487 (VCV003653487.2).